The following is an entry in ClinVar:

ClinVar aggregate classification (germline): Uncertain significance. Review status: criteria provided, multiple submitters, no conflicts (2 of 4 stars). 2 submissions from 2 submitters: Uncertain significance (2). Last evaluated 2025-05-21.

gnomAD v4.1: 33 of 1,613,826 alleles (0.002%); highest among the groups gnomAD compares: Non-Finnish European, 0.0024%; no homozygotes.

Submissions (2):

GeneDx
Classification: Uncertain significance. Last evaluated: 2025-05-21. Review status: criteria provided, single submitter. Criteria: GeneDx Variant Classification Process June 2021. Collection method: clinical testing. Allele origin: germline. Affected: yes.
Comment: Not observed at significant frequency in large population cohorts (gnomAD); In silico analysis supports that this missense variant has a deleterious effect on protein structure/function; Has not been previously published as pathogenic or benign to our knowledge

Labcorp Genetics (formerly Invitae), Labcorp
Classification: Uncertain significance. Last evaluated: 2024-12-27. Review status: criteria provided, single submitter. Criteria: Invitae Variant Classification Sherloc (09022015). Collection method: clinical testing. Allele origin: germline.
Comment: This sequence change replaces aspartic acid, which is acidic and polar, with tyrosine, which is neutral and polar, at codon 1265 of the LTBP4 protein (p.Asp1265Tyr). This variant is not present in population databases (gnomAD no frequency). This variant has not been reported in the literature in individuals affected with LTBP4-related conditions. Experimental studies and prediction algorithms are not available or were not evaluated, and the functional significance of this variant is currently unknown. In summary, the available evidence is currently insufficient to determine the role of this variant in disease. Therefore, it has been classified as a Variant of Uncertain Significance.

NM_001042545.2(LTBP4):c.3703G>T (p.Asp1235Tyr)

Gene: LTBP4 (latent transforming growth factor beta binding protein 4; plus strand). Cytogenetic location: 19q13.2.
Variant type: single nucleotide variant.
Coding change: c.3703G>T on transcript NM_001042545.2 (MANE Select); coding-DNA position 3703, G replaced by T.
Protein change: p.Asp1235Tyr; replaces aspartic acid 1235 with tyrosine.
Molecular consequence: missense variant.
Genome position (GRCh38, 1-based): chr19:40,623,953, G>T. VCF-style: chr19-40623953-G-T. GRCh37 (hg19) VCF-style: chr19-41129858-G-T.
Other names: c.3904G>T, p.Asp1302Tyr (NM_001042544.1); c.3793G>T, p.Asp1265Tyr (NM_003573.2); short protein forms D1235Y, D1265Y, D1302Y.
Identifiers: ClinVar variation 3665577 (VCV003665577.2).
Genomic context (GRCh38, chr19:40,623,953, plus strand): 5'-GGGGAGAGTTGAAGGGGATGCCTCTTAATCATCCTCTCCCTAGACAATGACGAGTGCGCC[G>T]ATGAGGAACCGGCCTGTGAGGGCGGCCGCTGTGTCAACACTGTGGGCTCTTATCACTGTA-3'
Protein context (NP_001036010.1, residues 1225-1245): LECIDNDECA[Asp1235Tyr]EEPACEGGRC